The following is an entry in ClinVar:

ClinVar aggregate classification (germline): Uncertain significance (1 of 4 stars; one submission).

Allele frequency attached by ClinVar (database versions not stated): TOPMed 0.00003; gnomAD 0.00005; gnomAD exomes 0.00006; ExAC 0.00015.
gnomAD v4.1: 99 of 1,613,872 alleles (0.0061%); highest among the groups gnomAD compares: Admixed American, 0.032%; no homozygotes.

Submission:

Labcorp Genetics (formerly Invitae), Labcorp
Classification: Uncertain significance. Last evaluated: 2022-08-15. Review status: criteria provided, single submitter. Criteria: Invitae Variant Classification Sherloc (09022015). Collection method: clinical testing. Allele origin: germline.
Comment: This sequence change replaces arginine, which is basic and polar, with cysteine, which is neutral and slightly polar, at codon 388 of the TOP3A protein (p.Arg388Cys). This variant is present in population databases (rs778504793, gnomAD 0.04%). This variant has not been reported in the literature in individuals affected with TOP3A-related conditions. Algorithms developed to predict the effect of missense changes on protein structure and function are either unavailable or do not agree on the potential impact of this missense change (SIFT: "Not Available"; PolyPhen-2: "Possibly Damaging"; Align-GVGD: "Not Available"). In summary, the available evidence is currently insufficient to determine the role of this variant in disease. Therefore, it has been classified as a Variant of Uncertain Significance.

NM_004618.5(TOP3A):c.1162C>T (p.Arg388Cys)

Gene: TOP3A (DNA topoisomerase III alpha; minus strand). Cytogenetic location: 17p11.2.
Variant type: single nucleotide variant.
Coding change: c.1162C>T on transcript NM_004618.5 (MANE Select); coding-DNA position 1162, C replaced by T.
Protein change: p.Arg388Cys; replaces arginine 388 with cysteine.
Molecular consequence: missense variant.
Genome position (GRCh38, 1-based): chr17:18,292,764, G>A on the plus strand (C>T on the coding strand, the complement: TOP3A is on the minus strand). VCF-style: chr17-18292764-G-A. GRCh37 (hg19) VCF-style: chr17-18196078-G-A.
Other names: c.877C>T, p.Arg293Cys (NM_001320759.2); short protein forms R388C, R293C.
Identifiers: ClinVar variation 2160140 (VCV002160140.1), dbSNP rs778504793, ClinGen allele CA8429992.